The following is an entry in ClinVar:

NM_006662.3(SRCAP):c.2912G>A (p.Arg971His)

Gene: SRCAP (Snf2 related CREBBP activator protein; plus strand). Cytogenetic location: 16p11.2.
Variant type: single nucleotide variant.
Coding change: c.2912G>A on transcript NM_006662.3 (MANE Select); coding-DNA position 2912, G replaced by A.
Protein change: p.Arg971His; replaces arginine 971 with histidine.
Molecular consequence: missense variant.
Genome position (GRCh38, 1-based): chr16:30,720,256, G>A. VCF-style: chr16-30720256-G-A. GRCh37 (hg19) VCF-style: chr16-30731577-G-A.
Other names: short protein forms R971H.
Identifiers: ClinVar variation 2720309 (VCV002720309.4), dbSNP rs200896833, ClinGen allele CA8011350.

ClinVar aggregate classification (germline): Uncertain significance. Review status: criteria provided, multiple submitters, no conflicts (2 of 4 stars). 2 submissions from 2 submitters: Uncertain significance (2). Last evaluated 2026-01-18.

Allele frequency attached by ClinVar (database versions not stated): TOPMed 0.00004; ExAC 0.00005; gnomAD 0.00002; 1000 Genomes Project 0.00020; 1000 Genomes Project 30x 0.00031.
gnomAD v4.1: 22 of 1,614,152 alleles (0.0014%); highest among the groups gnomAD compares: East Asian, 0.025%; no homozygotes.

Submissions (2):

Labcorp Genetics (formerly Invitae), Labcorp
Classification: Uncertain significance. Last evaluated: 2026-01-18. Review status: criteria provided, single submitter. Criteria: Invitae Variant Classification Sherloc (09022015). Collection method: clinical testing. Allele origin: germline.
Comment: This sequence change replaces arginine, which is basic and polar, with histidine, which is basic and polar, at codon 971 of the SRCAP protein (p.Arg971His). This variant is present in population databases (rs200896833, gnomAD 0.03%). This variant has not been reported in the literature in individuals affected with SRCAP-related conditions. ClinVar contains an entry for this variant (Variation ID: 2720309). Invitae Evidence Modeling of protein sequence and biophysical properties (such as structural, functional, and spatial information, amino acid conservation, physicochemical variation, residue mobility, and thermodynamic stability) indicates that this missense variant is not expected to disrupt SRCAP protein function with a negative predictive value of 80%. In summary, the available evidence is currently insufficient to determine the role of this variant in disease. Therefore, it has been classified as a Variant of Uncertain Significance.

Women's Health and Genetics/Laboratory Corporation of America, LabCorp
Classification: Uncertain significance. Last evaluated: 2025-12-01. Review status: criteria provided, single submitter. Criteria: LabCorp Variant Classification Summary - May 2015. Collection method: clinical testing. Allele origin: germline.
Comment: Variant summary: SRCAP c.2912G>A (p.Arg971His) results in a non-conservative amino acid change in the encoded protein sequence. Algorithms developed to predict the effect of missense changes on protein structure and function are either unavailable or do not agree on the potential impact of this missense change. The variant allele was found at a frequency of 4.4e-05 in 251456 control chromosomes. This frequency is not significantly higher than estimated for disease-causing variants in SRCAP, allowing no conclusion about variant significance. To our knowledge, no occurrence of c.2912G>A in individuals affected with SRCAP-related conditions and no experimental evidence demonstrating its impact on protein function have been reported. ClinVar contains an entry for this variant (Variation ID: 2720309). Based on the evidence outlined above, the variant was classified as uncertain significance.